The following is an entry in ClinVar:

ClinVar aggregate classification (germline): Benign (1 of 4 stars; one submission).

Allele frequency attached by ClinVar (database versions not stated): 1000 Genomes Project 0.01837; 1000 Genomes Project 30x 0.01889; TOPMed 0.03172; gnomAD 0.03894.
gnomAD v4.1: 27,281 of 707,494 alleles (3.9%); highest among the groups gnomAD compares: Non-Finnish European, 5%; 684 homozygotes.

Submission:

GeneDx
Classification: Benign. Last evaluated: 2018-06-19. Review status: criteria provided, single submitter. Criteria: GeneDx Variant Classification (06012015). Collection method: clinical testing. Allele origin: germline. Affected: yes.
Comment: This variant is considered likely benign or benign based on one or more of the following criteria: it is a conservative change, it occurs at a poorly conserved position in the protein, it is predicted to be benign by multiple in silico algorithms, and/or has population frequency not consistent with disease.

NM_002860.4(ALDH18A1):c.808+152A>G

Gene: ALDH18A1 (aldehyde dehydrogenase 18 family member A1; minus strand). Cytogenetic location: 10q24.1.
Variant type: single nucleotide variant.
Coding change: c.808+152A>G on transcript NM_002860.4 (MANE Select); 152 bases into the intron after coding-DNA position 808, A replaced by G.
Molecular consequence: intron variant.
Genome position (GRCh38, 1-based): chr10:95,632,807, T>C on the plus strand (A>G on the coding strand, the complement: ALDH18A1 is on the minus strand). VCF-style: chr10-95632807-T-C. GRCh37 (hg19) VCF-style: chr10-97392564-T-C.
Other names: c.172+152A>G (NM_001323419.2); c.475+152A>G (NM_001323412.2, NM_001323416.2); c.703+152A>G (NM_001323417.2); c.802+152A>G (NM_001017423.2, NM_001323415.2); c.469+152A>G (NM_001323418.2); c.808+152A>G (NM_001323413.2, NM_001323414.2).
Identifiers: ClinVar variation 678708 (VCV000678708.1), dbSNP rs117197936, ClinGen allele CA211800610.